The following is an entry in ClinVar:

NM_032389.6(ARFGAP2):c.798G>A (p.Ala266=)

Gene: ARFGAP2 (ARF GTPase activating protein 2; minus strand). Cytogenetic location: 11p11.2.
Variant type: single nucleotide variant.
Coding change: c.798G>A on transcript NM_032389.6 (MANE Select); coding-DNA position 798, G replaced by A.
Protein change: p.Ala266=; no amino-acid change (alanine 266 retained).
Molecular consequence: synonymous variant.
Genome position (GRCh38, 1-based): chr11:47,171,675, C>T on the plus strand (G>A on the coding strand, the complement: ARFGAP2 is on the minus strand). VCF-style: chr11-47171675-C-T. GRCh37 (hg19) VCF-style: chr11-47193226-C-T.
Other names: c.714G>A, p.Ala238= (NM_001242832.2); c.840G>A, p.Ala280= (NM_001410995.1).
Identifiers: ClinVar variation 3045780 (VCV003045780.2), dbSNP rs34580829, ClinGen allele CA5971495.

ClinVar aggregate classification (germline): Benign (0 of 4 stars; one submission).

Conditions:
ARFGAP2-related disorder. Also called: ARFGAP2-related condition.

Allele frequency attached by ClinVar (database versions not stated): ExAC 0.00203; ESP Exome Variant Server 0.00669; TOPMed 0.00697; 1000 Genomes Project 0.00819; 1000 Genomes Project 30x 0.00874.
gnomAD v4.1: 1,736 of 1,613,754 alleles (0.11%); highest among the groups gnomAD compares: African/African-American, 2%; 22 homozygotes.

Submission:

PreventionGenetics, part of Exact Sciences
Classification: Benign for ARFGAP2-related condition. Last evaluated: 2019-10-04. Review status: no assertion criteria provided. Collection method: clinical testing. Allele origin: germline.
Comment: This variant is classified as benign based on ACMG/AMP sequence variant interpretation guidelines (Richards et al. 2015 PMID: 25741868, with internal and published modifications).